The following is an entry in ClinVar:

NM_000532.5(PCCB):c.1309G>T (p.Gly437Cys)

Gene: PCCB (propionyl-CoA carboxylase subunit beta; plus strand). Cytogenetic location: 3q22.3.
Variant type: single nucleotide variant.
Coding change: c.1309G>T on transcript NM_000532.5 (MANE Select); coding-DNA position 1309, G replaced by T.
Protein change: p.Gly437Cys; replaces glycine 437 with cysteine.
Molecular consequence: missense variant.
Genome position (GRCh38, 1-based): chr3:136,327,643, G>T. VCF-style: chr3-136327643-G-T. GRCh37 (hg19) VCF-style: chr3-136046485-G-T.
Other names: c.1369G>T, p.Gly457Cys (NM_001178014.2); short protein forms G437C, G457C.
Identifiers: ClinVar variation 2916846 (VCV002916846.3), dbSNP rs1349202366, ClinGen allele CA354649287.
Genomic context (GRCh38, chr3:136,327,643, plus strand): 5'-CATGATCTGGCTGTCTCAGGCTCTAACACTCAGCATTTGGATCTGTTTTAGGCCTATGGA[G>T]GTGCCTATGATGTCATGAGCTCTAAGCACCTTTGTGGTGATACCAACTATGCCTGGCCCA-3'
Protein context (NP_000523.2, residues 427-447): VTVITRKAYG[Gly437Cys]AYDVMSSKHL

ClinVar aggregate classification (germline): Likely pathogenic (1 of 4 stars; one submission).

Conditions:
Propionic acidemia (PROP). Also called: GLYCINEMIA, KETOTIC; HYPERGLYCINEMIA WITH KETOACIDOSIS AND LEUKOPENIA; KETOTIC HYPERGLYCINEMIA. Identifiers: Orphanet 35, MedGen C0268579, MONDO:0011628, OMIM 606054, HP:0003571.

Submission:

Labcorp Genetics (formerly Invitae), Labcorp
Classification: Likely pathogenic for Propionic acidemia. Last evaluated: 2022-11-29. Review status: criteria provided, single submitter. Criteria: Invitae Variant Classification Sherloc (09022015). Collection method: clinical testing. Allele origin: germline.
Comment: Advanced modeling of protein sequence and biophysical properties (such as structural, functional, and spatial information, amino acid conservation, physicochemical variation, residue mobility, and thermodynamic stability) performed at Invitae indicates that this missense variant is expected to disrupt PCCB protein function. This variant has not been reported in the literature in individuals affected with PCCB-related conditions. This variant is not present in population databases (gnomAD no frequency). This sequence change replaces glycine, which is neutral and non-polar, with cysteine, which is neutral and slightly polar, at codon 437 of the PCCB protein (p.Gly437Cys). This variant disrupts the p.Gly437 amino acid residue in PCCB. Other variant(s) that disrupt this residue have been determined to be pathogenic (PMID: 22033733; Invitae). This suggests that this residue is clinically significant, and that variants that disrupt this residue are likely to be disease-causing. In summary, the currently available evidence indicates that the variant is pathogenic, but additional data are needed to prove that conclusively. Therefore, this variant has been classified as Likely Pathogenic.

Literature cited by the submitters: PubMed 22033733.